The following is an entry in ClinVar:

NM_001103.4(ACTN2):c.1898A>G (p.His633Arg)

Gene: ACTN2 (actinin alpha 2; plus strand). Cytogenetic location: 1q43.
Variant type: single nucleotide variant.
Coding change: c.1898A>G on transcript NM_001103.4 (MANE Select); coding-DNA position 1898, A replaced by G.
Protein change: p.His633Arg; replaces histidine 633 with arginine.
Molecular consequence: missense variant.
Genome position (GRCh38, 1-based): chr1:236,754,005, A>G. VCF-style: chr1-236754005-A-G. GRCh37 (hg19) VCF-style: chr1-236917305-A-G.
Other names: c.1898A>G, p.His633Arg (NM_001278343.2); c.1274A>G, p.His425Arg (NM_001278344.2); c.1148A>G, p.His383Arg (NM_001412150.1); short protein forms H383R, H633R, H425R.
Identifiers: ClinVar variation 1782196 (VCV001782196.2), dbSNP rs2527644189, ClinGen allele CA345386817.

ClinVar aggregate classification (germline): Uncertain significance (1 of 4 stars; one submission).

Conditions:
Cardiovascular phenotype. Identifiers: MedGen CN230736.

Allele frequency attached by ClinVar (database versions not stated): gnomAD exomes 0.00001.
gnomAD v4.1: 4 of 1,614,212 alleles (0.00025%); highest among the groups gnomAD compares: Non-Finnish European, 0.00034%; no homozygotes.

Submission:

Ambry Genetics
Classification: Uncertain significance for Cardiovascular phenotype. Last evaluated: 2021-07-08. Review status: criteria provided, single submitter. Criteria: Ambry Variant Classification Scheme 2023. Collection method: clinical testing. Allele origin: germline.
Comment: The p.H633R variant (also known as c.1898A>G), located in coding exon 16 of the ACTN2 gene, results from an A to G substitution at nucleotide position 1898. The histidine at codon 633 is replaced by arginine, an amino acid with highly similar properties. This amino acid position is conserved. In addition, the in silico prediction for this alteration is inconclusive. Since supporting evidence is limited at this time, the clinical significance of this alteration remains unclear.